The following is an entry in ClinVar:

NM_014254.3(RXYLT1):c.179C>T (p.Thr60Ile)

Gene: RXYLT1 (ribitol xylosyltransferase 1; plus strand). Cytogenetic location: 12q14.2.
Variant type: single nucleotide variant.
Coding change: c.179C>T on transcript NM_014254.3 (MANE Select); coding-DNA position 179, C replaced by T.
Protein change: p.Thr60Ile; replaces threonine 60 with isoleucine.
Molecular consequence: missense variant. On other transcripts: 5 prime UTR variant (1).
Genome position (GRCh38, 1-based): chr12:63,781,028, C>T. VCF-style: chr12-63781028-C-T. GRCh37 (hg19) VCF-style: chr12-64174808-C-T.
Other names: c.-602C>T (NM_001278237.2); short protein forms T60I.
Identifiers: ClinVar variation 1024230 (VCV001024230.10), dbSNP rs1897669537, ClinGen allele CA385584096.

ClinVar aggregate classification (germline): Uncertain significance (1 of 4 stars; one submission).

Submission:

Labcorp Genetics (formerly Invitae), Labcorp
Classification: Uncertain significance. Last evaluated: 2022-08-23. Review status: criteria provided, single submitter. Criteria: Invitae Variant Classification Sherloc (09022015). Collection method: clinical testing. Allele origin: germline.
Comment: This variant is not present in population databases (gnomAD no frequency). This sequence change replaces threonine, which is neutral and polar, with isoleucine, which is neutral and non-polar, at codon 60 of the RXYLT1 protein (p.Thr60Ile). This variant has not been reported in the literature in individuals affected with RXYLT1-related conditions. In summary, the available evidence is currently insufficient to determine the role of this variant in disease. Therefore, it has been classified as a Variant of Uncertain Significance. Algorithms developed to predict the effect of missense changes on protein structure and function are either unavailable or do not agree on the potential impact of this missense change (SIFT: "Deleterious"; PolyPhen-2: "Benign"; Align-GVGD: "Class C0"). ClinVar contains an entry for this variant (Variation ID: 1024230).